The following is an entry in ClinVar:

ClinVar aggregate classification (germline): Likely benign. Review status: criteria provided, multiple submitters, no conflicts (2 of 4 stars). 2 submissions from 2 submitters: Likely benign (2). Last evaluated 2026-07-01.

Allele frequency attached by ClinVar (database versions not stated): gnomAD 0.00010 and 0.00014.

Submissions (2):

CeGaT Center for Human Genetics Tuebingen
Classification: Likely benign. Last evaluated: 2026-07-01. Review status: criteria provided, single submitter. Criteria: CeGaT Center For Human Genetics Tuebingen Variant Classification Criteria Version 2. Collection method: clinical testing. Allele origin: germline. Affected: yes. Observed: 1 variant allele.
Comment: NLGN2: BP4, BP7

Labcorp Genetics (formerly Invitae), Labcorp
Classification: Likely benign. Last evaluated: 2022-07-07. Review status: criteria provided, single submitter. Criteria: Invitae Variant Classification Sherloc (09022015). Collection method: clinical testing. Allele origin: germline.

NM_020795.4(NLGN2):c.2442G>A (p.Pro814=)

Gene: NLGN2 (neuroligin 2; plus strand). Cytogenetic location: 17p13.1.
Variant type: single nucleotide variant.
Coding change: c.2442G>A on transcript NM_020795.4 (MANE Select); coding-DNA position 2442, G replaced by A.
Protein change: p.Pro814=; no amino-acid change (proline 814 retained).
Molecular consequence: synonymous variant.
Genome position (GRCh38, 1-based): chr17:7,417,733, G>A. VCF-style: chr17-7417733-G-A. GRCh37 (hg19) VCF-style: chr17-7321052-G-A.
Identifiers: ClinVar variation 744624 (VCV000744624.9), dbSNP rs753607746, ClinGen allele CA497721024.